The following is an entry in ClinVar:

ClinVar aggregate classification (germline): Uncertain significance (1 of 4 stars; one submission).

Submission:

GeneDx
Classification: Uncertain significance. Last evaluated: 2026-03-26. Review status: criteria provided, single submitter. Criteria: GeneDx Variant Classification Process June 2021. Collection method: clinical testing. Allele origin: germline.
Comment: Not observed at significant frequency in large population cohorts (gnomAD); In silico analysis supports that this missense variant has a deleterious effect on protein structure/function; Has not been previously published as pathogenic or benign to our knowledge

NM_001099922.3(ALG13):c.305A>T (p.Glu102Val)

Gene: ALG13 (ALG13 UDP-N-acetylglucosaminyltransferase subunit; plus strand). Cytogenetic location: Xq23.
Variant type: single nucleotide variant.
Coding change: c.305A>T on transcript NM_001099922.3 (MANE Select); coding-DNA position 305, A replaced by T.
Protein change: p.Glu102Val; replaces glutamic acid 102 with valine.
Molecular consequence: missense variant. On other transcripts: synonymous variant (1), 5 prime UTR variant (9), non-coding transcript variant (3).
Genome position (GRCh38, 1-based): chrX:111,685,025, A>T. VCF-style: chrX-111685025-A-T. GRCh37 (hg19) VCF-style: chrX-110928253-A-T.
Other names: c.246A>T, p.Arg82= (NM_001039210.5); c.305A>T, p.Glu102Val (NM_001168385.3, NM_001324292.2, NM_018466.6); c.-8A>T (NM_001257230.2, NM_001257234.2, NM_001257235.3 and 6 more transcripts); c.71A>T, p.Glu24Val (NM_001257231.2, NM_001257241.3); c.311A>T, p.Glu104Val (NM_001324290.2); short protein forms E102V, E104V, E24V.
Identifiers: ClinVar variation 2430576 (VCV002430576.2), dbSNP rs2525130864, ClinGen allele CA414248660.